The following is an entry in ClinVar:

NM_001572.5(IRF7):c.1490T>C (p.Met497Thr)

Gene: IRF7 (interferon regulatory factor 7; minus strand). Cytogenetic location: 11p15.5.
Variant type: single nucleotide variant.
Coding change: c.1490T>C on transcript NM_001572.5 (MANE Select); coding-DNA position 1490, T replaced by C.
Protein change: p.Met497Thr; replaces methionine 497 with threonine.
Molecular consequence: missense variant.
Genome position (GRCh38, 1-based): chr11:612,667, A>G on the plus strand (T>C on the coding strand, the complement: IRF7 is on the minus strand). VCF-style: chr11-612667-A-G. GRCh37 (hg19) VCF-style: chr11-612667-A-G.
Other names: c.1403T>C, p.Met468Thr (NM_004029.4); c.1529T>C, p.Met510Thr (NM_004031.4); short protein forms M497T, M510T, M468T.
Identifiers: ClinVar variation 2804791 (VCV002804791.3), dbSNP rs1298847378, ClinGen allele CA378975308.

ClinVar aggregate classification (germline): Uncertain significance (1 of 4 stars; one submission).

Conditions:
Immunodeficiency 39 (IMD39). Identifiers: Orphanet 574918, MedGen C4225358, MONDO:0014597, OMIM 616345.

gnomAD v4.1: 1 of 1,613,146 alleles (0.000062%); highest among the groups gnomAD compares: Non-Finnish European, 0.000085%; no homozygotes.

Submission:

Labcorp Genetics (formerly Invitae), Labcorp
Classification: Uncertain significance for Immunodeficiency 39. Last evaluated: 2023-07-17. Review status: criteria provided, single submitter. Criteria: Invitae Variant Classification Sherloc (09022015). Collection method: clinical testing. Allele origin: germline.
Comment: In summary, the available evidence is currently insufficient to determine the role of this variant in disease. Therefore, it has been classified as a Variant of Uncertain Significance. An algorithm developed to predict the effect of missense changes on protein structure and function (PolyPhen-2) suggests that this variant is likely to be disruptive. This variant has not been reported in the literature in individuals affected with IRF7-related conditions. This variant is not present in population databases (gnomAD no frequency). This sequence change replaces methionine, which is neutral and non-polar, with threonine, which is neutral and polar, at codon 510 of the IRF7 protein (p.Met510Thr).